The following is an entry in ClinVar:

ClinVar aggregate classification (germline): Uncertain significance (1 of 4 stars; one submission).

Conditions:
C3 glomerulonephritis. Also called: C3 GLOMERULOPATHY 3; Nephropathy due to CFHR5 Deficiency. Identifiers: Orphanet 329931, MedGen C4055342, MONDO:0013892, OMIM 614809.

Submission:

Genomenon, Inc
Classification: Uncertain significance for C3 glomerulonephritis. Last evaluated: 2025-09-30. Review status: criteria provided, single submitter. Criteria: Genomenon Sequence Variant Interpretation Standards. Collection method: curation. Allele origin: germline. Affected: yes.
Comment: C3 p.Ile756Thr (c.2267T>C) is a missense variant that changes the amino acid at residue 756 from Isoleucine to Threonine. This variant has been observed in at least one proband affected with C3 glomerulonephritis (PMID:26471127). The variant was found to segregate with disease in at least one affected family (PMID:26471127). Functional studies have been reported; however, the significance of the findings remain unclear (PMID:26471127). It is absent or not present at a significant frequency in gnomAD. In silico models agree that this variant is not damaging. In conclusion, we classify C3 p.Ile756Thr (c.2267T>C) as a variant of uncertain significance.

Literature cited by the submitters: PubMed 26471127.

NM_000064.4(C3):c.2267T>C (p.Ile756Thr)

Gene: C3 (complement C3; minus strand). Cytogenetic location: 19p13.3.
Variant type: single nucleotide variant.
Coding change: c.2267T>C on transcript NM_000064.4 (MANE Select); coding-DNA position 2267, T replaced by C.
Protein change: p.Ile756Thr; replaces isoleucine 756 with threonine.
Molecular consequence: missense variant.
Genome position (GRCh38, 1-based): chr19:6,702,558, A>G on the plus strand (T>C on the coding strand, the complement: C3 is on the minus strand). VCF-style: chr19-6702558-A-G. GRCh37 (hg19) VCF-style: chr19-6702569-A-G.
Other names: short protein forms I756T.
Identifiers: ClinVar variation 4280155 (VCV004280155.1).